The following is an entry in ClinVar:

ClinVar aggregate classification (germline): Uncertain significance (1 of 4 stars; one submission).

gnomAD v4.1: 1 of 1,614,098 alleles (0.000062%); highest among the groups gnomAD compares: Middle Eastern, 0.016%; no homozygotes.

Submission:

Women's Health and Genetics/Laboratory Corporation of America, LabCorp
Classification: Uncertain significance. Last evaluated: 2024-07-11. Review status: criteria provided, single submitter. Criteria: LabCorp Variant Classification Summary - May 2015. Collection method: clinical testing. Allele origin: germline.
Comment: Variant summary: USH2A c.7783G>A (p.Ala2595Thr) results in a non-conservative amino acid change located in the Fibronectin type III domian (IPR003961) of the encoded protein sequence. Four of five in-silico tools predict a benign effect of the variant on protein function. The variant was absent in 251228 control chromosomes. The available data on variant occurrences in the general population are insufficient to allow any conclusion about variant significance. c.7783G>A has been reported in the literature as compound heterozygous genotype in an individual affected with clinical features of Usher Syndrome (Liu_2020). These data do not allow any conclusion about variant significance. To our knowledge, no experimental evidence demonstrating an impact on protein function has been reported. The following publication have been ascertained in the context of this evaluation (PMID: 33090715). No submitters have cited clinical-significance assessments for this variant to ClinVar. Based on the evidence outlined above, the variant was classified as uncertain significance.

Literature cited by the submitters: PubMed 33090715.

NM_206933.4(USH2A):c.7783G>A (p.Ala2595Thr)

Gene: USH2A (usherin; minus strand). Cytogenetic location: 1q41.
Variant type: single nucleotide variant.
Coding change: c.7783G>A on transcript NM_206933.4 (MANE Select); coding-DNA position 7783, G replaced by A.
Protein change: p.Ala2595Thr; replaces alanine 2595 with threonine.
Molecular consequence: missense variant.
Genome position (GRCh38, 1-based): chr1:215,888,866, C>T on the plus strand (G>A on the coding strand, the complement: USH2A is on the minus strand). VCF-style: chr1-215888866-C-T. GRCh37 (hg19) VCF-style: chr1-216062208-C-T.
Other names: short protein forms A2595T.
Identifiers: ClinVar variation 3338933 (VCV003338933.1).